The following is an entry in ClinVar:

NM_000038.6(APC):c.4124A>C (p.His1375Pro)

Gene: APC (APC regulator of Wnt signaling pathway; plus strand). Cytogenetic location: 5q22.2.
Variant type: single nucleotide variant.
Coding change: c.4124A>C on transcript NM_000038.6 (MANE Select); coding-DNA position 4124, A replaced by C.
Protein change: p.His1375Pro; replaces histidine 1375 with proline.
Molecular consequence: missense variant.
Genome position (GRCh38, 1-based): chr5:112,839,718, A>C. VCF-style: chr5-112839718-A-C. GRCh37 (hg19) VCF-style: chr5-112175415-A-C.
Other names: c.4124A>C, p.His1375Pro (NM_001127510.3, NM_001354895.2); c.4070A>C, p.His1357Pro (NM_001127511.3); c.4178A>C, p.His1393Pro (NM_001354896.2); c.4154A>C, p.His1385Pro (NM_001354897.2); c.4049A>C, p.His1350Pro (NM_001354898.2); c.4040A>C, p.His1347Pro (NM_001354899.2); c.4001A>C, p.His1334Pro (NM_001354900.2); c.3947A>C, p.His1316Pro (NM_001354901.2); and 5 more; short protein forms H1357P, H1375P, H1334P, H1284P, H1316P, H1385P, H1215P, H1249P.
Identifiers: ClinVar variation 584670 (VCV000584670.4), dbSNP rs750884499, ClinGen allele CA16030363.

ClinVar aggregate classification (germline): Uncertain significance. Review status: criteria provided, multiple submitters, no conflicts (2 of 4 stars). 3 submissions from 3 submitters: Uncertain significance (3). Last evaluated 2026-01-06.

Conditions:
Familial adenomatous polyposis 1 (FAP1). Also called: FAMILIAL ADENOMATOUS POLYPOSIS 1, ATTENUATED; POLYPOSIS, ADENOMATOUS INTESTINAL. Identifiers: MedGen C2713442, MONDO:0021056, OMIM 175100. Disease mechanism: loss of function.
Classic or attenuated familial adenomatous polyposis. Identifiers: MedGen CN372698, MONDO:0021057.

Submissions (3):

Labcorp Genetics (formerly Invitae), Labcorp
Classification: Uncertain significance for Familial adenomatous polyposis 1. Last evaluated: 2026-01-06. Review status: criteria provided, single submitter. Criteria: Invitae Variant Classification Sherloc (09022015). Collection method: clinical testing. Allele origin: germline.
Comment: This sequence change replaces histidine, which is basic and polar, with proline, which is neutral and non-polar, at codon 1375 of the APC protein (p.His1375Pro). This variant is not present in population databases (gnomAD no frequency). This missense change has been observed in individual(s) with breast cancer (PMID: 35264596). ClinVar contains an entry for this variant (Variation ID: 584670). Invitae Evidence Modeling of protein sequence and biophysical properties (such as structural, functional, and spatial information, amino acid conservation, physicochemical variation, residue mobility, and thermodynamic stability) indicates that this missense variant is not expected to disrupt APC protein function with a negative predictive value of 95%. In summary, the available evidence is currently insufficient to determine the role of this variant in disease. Therefore, it has been classified as a Variant of Uncertain Significance.

All of Us Research Program, National Institutes of Health
Classification: Uncertain significance for Classic or attenuated familial adenomatous polyposis. Last evaluated: 2024-06-11. Review status: criteria provided, single submitter. Criteria: ACMG Guidelines, 2015. Collection method: clinical testing. Allele origin: germline. Inheritance: Autosomal dominant inheritance. Observed: 1 variant allele, 1 heterozygote.
Comment: This study involves interpretation of variants in research participants for the purpose of population health screening. Participant phenotype was not available at the time of variant classification. Additional details can be found in publication PMID: 35346344, PMCID: PMC8962531

Mendelics
Classification: Uncertain significance for Familial adenomatous polyposis 1. Last evaluated: 2018-07-02. Review status: criteria provided, single submitter. Criteria: Mendelics Assertion Criteria 2017. Collection method: clinical testing. Allele origin: unknown.

Literature cited by the submitters: PubMed 35264596 (cited by Labcorp Genetics (formerly Invitae), Labcorp).